The following is an entry in ClinVar:

NM_001122764.3(PPOX):c.1098+2T>A

Gene: PPOX (protoporphyrinogen oxidase; plus strand). Cytogenetic location: 1q23.3.
Variant type: single nucleotide variant.
Coding change: c.1098+2T>A on transcript NM_001122764.3 (MANE Select); the canonical splice donor site of the intron after coding-DNA position 1098, T replaced by A.
Molecular consequence: splice donor variant. On other transcripts: intron variant (1).
Genome position (GRCh38, 1-based): chr1:161,170,521, T>A. VCF-style: chr1-161170521-T-A. GRCh37 (hg19) VCF-style: chr1-161140311-T-A.
Other names: c.612+2T>A (NM_001350130.2, NM_001350131.2, NM_001365401.1); c.999+2T>A (NM_001350128.2); c.690+2T>A (NM_001350129.2, NM_001365400.1); c.988-99T>A (NM_001365399.1); c.1098+2T>A (NM_000309.5, NM_001365398.1).
Identifiers: ClinVar variation 4723281 (VCV004723281.1).
Genomic context (GRCh38, chr1:161,170,521, plus strand): 5'-TGTATGACTCAGTTGCTTTCCCTGAGCAGGACGGGAGCCCCCCTGGCCTCAGAGTGACTG[T>A]GAGGAGGAGGAAACTTTGCCTAGTGGCATTTCCAGAGGGCTCCTCTGTGCTCCATTGTAG-3'

ClinVar aggregate classification (germline): Likely pathogenic (1 of 4 stars; one submission).

Submission:

Labcorp Genetics (formerly Invitae), Labcorp
Classification: Likely pathogenic. Last evaluated: 2025-07-15. Review status: criteria provided, single submitter. Criteria: Invitae Variant Classification Sherloc (09022015). Collection method: clinical testing. Allele origin: germline.
Comment: This sequence change affects a donor splice site in intron 10 of the PPOX gene. It is expected to disrupt RNA splicing. Variants that disrupt the donor or acceptor splice site typically lead to a loss of protein function (PMID: 16199547), and loss-of-function variants in PPOX are known to be pathogenic (PMID: 10486317). This variant is not present in population databases (gnomAD no frequency). Disruption of this splice site has been observed in individual(s) with variegate porphyria (PMID: 12655566). Algorithms developed to predict the effect of sequence changes on RNA splicing suggest that this variant may disrupt the consensus splice site. In summary, the currently available evidence indicates that the variant is pathogenic, but additional data are needed to prove that conclusively. Therefore, this variant has been classified as Likely Pathogenic.

Literature cited by the submitters: PubMed 16199547; PubMed 10486317; PubMed 12655566.